The following is an entry in ClinVar:

NM_006580.4(CLDN16):c.*1178C>T

Gene: CLDN16 (claudin 16; plus strand). Cytogenetic location: 3q28.
Variant type: single nucleotide variant.
Coding change: c.*1178C>T on transcript NM_006580.4 (MANE Select); 1178 bases downstream of the stop codon, C replaced by T.
Molecular consequence: 3 prime UTR variant.
Genome position (GRCh38, 1-based): chr3:190,411,214, C>T. VCF-style: chr3-190411214-C-T. GRCh37 (hg19) VCF-style: chr3-190129003-C-T.
Other names: c.*1178C>T (NM_001378492.1, NM_001378493.1).
Identifiers: ClinVar variation 344465 (VCV000344465.5), dbSNP rs533709248, ClinGen allele CA10615437.

ClinVar aggregate classification (germline): Likely benign (1 of 4 stars; one submission).

Conditions:
Primary hypomagnesemia (HOMG3). Also called: HYPOMAGNESEMIA 3, RENAL; HYPOMAGNESEMIA, FAMILIAL, WITH HYPERCALCIURIA AND NEPHROCALCINOSIS; HYPOMAGNESEMIA, ISOLATED RENAL; HYPOMAGNESEMIA, PRIMARY, DUE TO DEFECT IN RENAL TUBULAR TRANSPORT OF MAGNESIUM. Identifiers: Orphanet 31043, MedGen C0268448, MONDO:0009550, OMIM 248250.

Allele frequency attached by ClinVar (database versions not stated): gnomAD 0.00001 and 0.00011; TOPMed 0.00004; 1000 Genomes Project 0.00060; 1000 Genomes Project 30x 0.00078.

Submission:

Illumina Laboratory Services, Illumina
Classification: Likely benign for Primary hypomagnesemia. Last evaluated: 2018-01-13. Review status: criteria provided, single submitter. Criteria: ICSL Variant Classification Criteria 13 December 2019. Collection method: clinical testing. Allele origin: germline.
Comment: This variant was observed in the ICSL laboratory as part of a predisposition screen in an ostensibly healthy population. It had not been previously curated by ICSL or reported in the Human Gene Mutation Database (HGMD: prior to June 1st, 2018), and was therefore a candidate for classification through an automated scoring system. Utilizing variant allele frequency, disease prevalence and penetrance estimates, and inheritance mode, an automated score was calculated to assess if this variant is too frequent to cause the disease. Based on the score and internal cut-off values, a variant classified as likely benign is not then subjected to further curation. The score for this variant resulted in a classification of likely benign for this disease.